The following is an entry in ClinVar:

NM_015662.3(IFT172):c.1167+1G>A

Gene: IFT172 (intraflagellar transport 172; minus strand). Cytogenetic location: 2p23.3.
Variant type: single nucleotide variant.
Coding change: c.1167+1G>A on transcript NM_015662.3 (MANE Select); the canonical splice donor site of the intron after coding-DNA position 1167, G replaced by A.
Molecular consequence: splice donor variant.
Genome position (GRCh38, 1-based): chr2:27,477,994, C>T on the plus strand (G>A on the coding strand, the complement: IFT172 is on the minus strand). VCF-style: chr2-27477994-C-T. GRCh37 (hg19) VCF-style: chr2-27700861-C-T.
Other names: c.1167+1G>A (NM_001410739.1).
Identifiers: ClinVar variation 3760213 (VCV003760213.2).

ClinVar aggregate classification (germline): Likely pathogenic (1 of 4 stars; one submission).

Conditions:
Short-rib thoracic dysplasia 10 with or without polydactyly (SRTD10). Identifiers: Orphanet 474, MedGen C3810175, MONDO:0014284, OMIM 615630.
Retinitis pigmentosa 71 (RP71). Identifiers: Orphanet 791, MedGen C4225342, MONDO:0014618, OMIM 616394.

gnomAD v4.1: 3 of 1,614,056 alleles (0.00019%); highest among the groups gnomAD compares: South Asian, 0.0022%; no homozygotes.

Submission:

Labcorp Genetics (formerly Invitae), Labcorp
Classification: Likely pathogenic for Retinitis pigmentosa 71; Short-rib thoracic dysplasia 10 with or without polydactyly. Last evaluated: 2024-11-06. Review status: criteria provided, single submitter. Criteria: Invitae Variant Classification Sherloc (09022015). Collection method: clinical testing. Allele origin: germline.
Comment: This sequence change affects a donor splice site in intron 11 of the IFT172 gene. It is expected to disrupt RNA splicing. Variants that disrupt the donor or acceptor splice site typically lead to a loss of protein function (PMID: 16199547), and loss-of-function variants in IFT172 are known to be pathogenic (PMID: 24140113). This variant is not present in population databases (gnomAD no frequency). This variant has not been reported in the literature in individuals affected with IFT172-related conditions. Algorithms developed to predict the effect of sequence changes on RNA splicing suggest that this variant may disrupt the consensus splice site. In summary, the currently available evidence indicates that the variant is pathogenic, but additional data are needed to prove that conclusively. Therefore, this variant has been classified as Likely Pathogenic.

Literature cited by the submitters: PubMed 16199547; PubMed 24140113.